The following is an entry in ClinVar:

NM_022166.4(XYLT1):c.1370+5C>T

Gene: XYLT1 (xylosyltransferase 1; minus strand). Cytogenetic location: 16p12.3.
Variant type: single nucleotide variant.
Coding change: c.1370+5C>T on transcript NM_022166.4 (MANE Select); 5 bases into the intron after coding-DNA position 1370, C replaced by T.
Molecular consequence: intron variant.
Genome position (GRCh38, 1-based): chr16:17,158,824, G>A on the plus strand (C>T on the coding strand, the complement: XYLT1 is on the minus strand). VCF-style: chr16-17158824-G-A. GRCh37 (hg19) VCF-style: chr16-17252681-G-A.
Identifiers: ClinVar variation 1501860 (VCV001501860.6), dbSNP rs372104324, ClinGen allele CA7927935.
Genomic context (GRCh38, chr16:17,158,824, plus strand): 5'-ATTCCCCAAATGATCACTCAGATTTTCATTTCCATTTTGTACAGGGGTAGGGGTTGAGGT[G>A]CTACCTTGCATTGTCCCGGCCGTGTGACTTCAAGAAATTCATATCTCGGTATCGGGAGAG-3'

ClinVar aggregate classification (germline): Uncertain significance (1 of 4 stars; one submission).

Conditions:
Desbuquois dysplasia 1 (DBQD1). Also called: DESBUQUOIS DYSPLASIA 1, KIM VARIANT; MICROMELIC DWARFISM WITH VERTEBRAL AND METAPHYSEAL ABNORMALITIES AND ADVANCED CARPOTARSAL OSSIFICATION. Identifiers: Orphanet 1425, MedGen C4012146, MONDO:0009629, OMIM 251450.

Allele frequency attached by ClinVar (database versions not stated): ExAC 0.00002; gnomAD exomes 0.00002 and 0.00004; gnomAD 0.00003; TOPMed 0.00003; ESP Exome Variant Server 0.00008.
gnomAD v4.1: 69 of 1,613,810 alleles (0.0043%); highest among the groups gnomAD compares: Non-Finnish European, 0.0055%; no homozygotes.

Submission:

Labcorp Genetics (formerly Invitae), Labcorp
Classification: Uncertain significance for Desbuquois dysplasia 1. Last evaluated: 2020-12-25. Review status: criteria provided, single submitter. Criteria: Invitae Variant Classification Sherloc (09022015). Collection method: clinical testing. Allele origin: germline.
Comment: This sequence change falls in intron 6 of the XYLT1 gene. It does not directly change the encoded amino acid sequence of the XYLT1 protein. It affects a nucleotide within the consensus splice site of the intron. This variant is present in population databases (rs372104324, ExAC 0.003%). This variant has not been reported in the literature in individuals with XYLT1-related conditions. Nucleotide substitutions within the consensus splice site are a relatively common cause of aberrant splicing (PMID: 17576681, 9536098). Algorithms developed to predict the effect of sequence changes on RNA splicing suggest that this variant is not likely to affect RNA splicing, but this prediction has not been confirmed by published transcriptional studies. In summary, the available evidence is currently insufficient to determine the role of this variant in disease. Therefore, it has been classified as a Variant of Uncertain Significance.

Literature cited by the submitters: PubMed 17576681; PubMed 9536098.